The following is an entry in ClinVar:

ClinVar aggregate classification (germline): Conflicting classifications of pathogenicity. Review status: criteria provided, conflicting classifications (1 of 4 stars). 6 submissions from 6 submitters: Likely pathogenic (1); Uncertain significance (4). 1 of the submissions does not count toward it. Last evaluated 2026-04-14.

Conditions:
ABCB4-related disorder. Also called: ABCB4-related disorders; ABCB4-related condition.
Familial intrahepatic cholestasis. Identifiers: Orphanet 284385, MedGen CN296401, MONDO:0017290.

Allele frequency attached by ClinVar (database versions not stated): gnomAD 0.00001; TOPMed 0.00002.

Submissions (6):

Genomenon, Inc
Classification: Likely pathogenic for Familial intrahepatic cholestasis. Last evaluated: 2026-04-14. Review status: criteria provided, single submitter. Criteria: Genomenon Sequence Variant Interpretation Standards - Updated. Collection method: curation. Allele origin: germline. Affected: yes.
Comment: ABCB4 p.Thr201Met (c.602C>T) is a missense variant that changes the amino acid at residue 201 from Threonine to Methionine. This variant has been observed in at least one proband with an ABCB4-related disorder (PMID:36550572;24594635). The variant was found to segregate with disease in at least one affected family (PMID:36550572). It has been observed in trans with a pathogenic or likely pathogenic variant (PMID:36550572). At least one functional study has demonstrated a substantial alteration in protein function relative to the wild-type (PMID:24594635). It is absent or not present at a significant frequency in gnomAD. In silico models predict that this variant is possibly or probably damaging. In conclusion, we classify ABCB4 p.Thr201Met (c.602C>T) as a likely pathogenic variant.

Labcorp Genetics (formerly Invitae), Labcorp
Classification: Uncertain significance. Last evaluated: 2024-09-16. Review status: criteria provided, single submitter. Criteria: Invitae Variant Classification Sherloc (09022015). Collection method: clinical testing. Allele origin: germline.
Comment: This sequence change replaces threonine, which is neutral and polar, with methionine, which is neutral and non-polar, at codon 201 of the ABCB4 protein (p.Thr201Met). This variant is present in population databases (rs753318087, gnomAD 0.007%). This missense change has been observed in individual(s) with ABCB4-related disorders (PMID: 24594635). ClinVar contains an entry for this variant (Variation ID: 497292). Invitae Evidence Modeling of protein sequence and biophysical properties (such as structural, functional, and spatial information, amino acid conservation, physicochemical variation, residue mobility, and thermodynamic stability) has been performed for this missense variant. However, the output from this modeling did not meet the statistical confidence thresholds required to predict the impact of this variant on ABCB4 protein function. Experimental studies have shown that this missense change affects ABCB4 function (PMID: 24594635). Algorithms developed to predict the effect of sequence changes on RNA splicing suggest that this variant may disrupt the consensus splice site. In summary, the available evidence is currently insufficient to determine the role of this variant in disease. Therefore, it has been classified as a Variant of Uncertain Significance.

Blueprint Genetics
Classification: Uncertain significance. Last evaluated: 2023-10-26. Review status: criteria provided, single submitter. Criteria: ACMG Guidelines, 2015. Collection method: clinical testing. Allele origin: germline.

Women's Health and Genetics/Laboratory Corporation of America, LabCorp
Classification: Uncertain significance. Last evaluated: 2022-08-26. Review status: criteria provided, single submitter. Criteria: LabCorp Variant Classification Summary - May 2015. Collection method: clinical testing. Allele origin: germline.
Comment: Variant summary: ABCB4 c.602C>T (p.Thr201Met) results in a non-conservative amino acid change located in the first transmembrane domain (IPR011527) of the encoded protein sequence. Three of five in-silico tools predict a damaging effect of the variant on protein function. The variant allele was found at a frequency of 8e-06 in 251368 control chromosomes (gnomAD). c.602C>T has been reported in the literature in an individual affected with Familial Intrahepatic Cholestasis (GordoGilart_2015), who also carried a second missense variant (E1118K). Authors of this study also reported experimental evidence evaluating the impact on protein function for both missense changes, and demonstrated that the T201M variant reduced expression and also decreased phosphatidylcholine efflux activity, resulting in about 27% residual function compared to the WT (GordoGilart_2015), while the other missense (E1118K) didn't affect expression, but caused a partial reduction in function (resulting in ~39% residual function). These findings were in accordance with the milder phenotype of the reported patient (GordoGilart_2015). One clinical diagnostic laboratory has submitted clinical-significance assessments for this variant to ClinVar after 2014 without evidence for independent evaluation, and classified the variant as uncertain significance. Based on the evidence outlined above, the variant was classified as VUS-possibly pathogenic.

Eurofins Ntd Llc (ga)
Classification: Uncertain significance. Last evaluated: 2016-09-27. Review status: criteria provided, single submitter. Criteria: EGL Classification Definitions 2015. Collection method: clinical testing. Allele origin: germline. Observed: 1 variant allele, 1 heterozygote.

PreventionGenetics, part of Exact Sciences
Classification: Uncertain significance for ABCB4-related condition. Last evaluated: 2024-01-17. Review status: no assertion criteria provided. Collection method: clinical testing. Allele origin: germline. Not counted in ClinVar's aggregate classification.
Comment: The ABCB4 c.602C>T variant is predicted to result in the amino acid substitution p.Thr201Met. This variant, along with another ABCB4 missense variant, has been reported in an individual with progressive familial intrahepatic cholestasis type 3 (Table 2, Gordo-Gilart et al 2015. PubMed ID: 24594635). In vitro functional studies suggest this variant results in reduced protein expression and activity compared to control (Gordo-Gilart et al 2015. PubMed ID: 24594635). This variant is reported in 0.0062% of alleles in individuals of African descent in gnomAD. Although we suspect that this variant may be pathogenic, at this time, the clinical significance of this variant is uncertain due to the absence of conclusive functional and genetic evidence.

Literature cited by the submitters: PubMed 36550572 (cited by Genomenon, Inc); PubMed 24594635 (cited by 3 submitters).

NM_000443.4(ABCB4):c.602C>T (p.Thr201Met)

Gene: ABCB4 (ATP binding cassette subfamily B member 4; minus strand). Cytogenetic location: 7q21.12.
Variant type: single nucleotide variant.
Coding change: c.602C>T on transcript NM_000443.4 (MANE Select); coding-DNA position 602, C replaced by T.
Protein change: p.Thr201Met; replaces threonine 201 with methionine.
Molecular consequence: missense variant.
Genome position (GRCh38, 1-based): chr7:87,451,729, G>A on the plus strand (C>T on the coding strand, the complement: ABCB4 is on the minus strand). VCF-style: chr7-87451729-G-A. GRCh37 (hg19) VCF-style: chr7-87081045-G-A.
Other names: c.602C>T, p.Thr201Met (NM_018849.3, NM_018850.3); short protein forms T201M.
Identifiers: ClinVar variation 497292 (VCV000497292.12), dbSNP rs753318087, ClinGen allele CA4327501.
Genomic context (GRCh38, chr7:87,451,729, plus strand): 5'-ATTATCACAAGGGTGAGCTTCCATCCTCTGATGAATCCCACTATGAATCCTGCAAAAAAC[G>A]TGGCTACTGCTTGAAAGAACATTCCAACCTTGTCACCAATTCCTTCACTGATTTTGGAGA-3'
Protein context (NP_000434.1, residues 191-211): KVGMFFQAVA[Thr201Met]FFAGFIVGFI